The following is an entry in ClinVar:

ClinVar aggregate classification (germline): Uncertain significance (1 of 4 stars; one submission).

Submission:

GeneDx
Classification: Uncertain significance. Last evaluated: 2025-01-13. Review status: criteria provided, single submitter. Criteria: GeneDx Variant Classification Process June 2021. Collection method: clinical testing. Allele origin: germline. Affected: yes.
Comment: Intronic +5 splice site variant in a gene for which loss of function is a known mechanism of disease, and both splice predictors and evolutionary conservation support a deleterious effect, although in the absence of functional evidence the actual effect of this sequence change is unknown.; Not observed at significant frequency in large population cohorts (gnomAD); Has not been previously published as pathogenic or benign to our knowledge

NM_001330260.2(SCN8A):c.614+2dup

Gene: SCN8A (sodium voltage-gated channel alpha subunit 8; plus strand). Cytogenetic location: 12q13.13.
Variant type: Duplication.
Coding change: c.614+2dup on transcript NM_001330260.2 (MANE Select); the canonical splice donor site of the intron after coding-DNA position 614, one base duplicated (T; older notation c.614+2dupT).
Molecular consequence: splice donor variant.
Genome position (GRCh38, 1-based): chr12:51,687,221, T duplicated. VCF-style (leftmost placement, unchanged base first): chr12-51687220-G-GT. GRCh37 (hg19) VCF-style: chr12-52081004-G-GT.
Other names: c.614+2dup (NM_014191.4, NM_001177984.3, NM_001369788.1).
Identifiers: ClinVar variation 4057052 (VCV004057052.1).